The following is an entry in ClinVar:

ClinVar aggregate classification (germline): Uncertain significance (1 of 4 stars; one submission).

Conditions:
Cardiomyopathy (CMYO). Also called: Cardiomyopathies. Identifiers: Orphanet 167848, MedGen C0878544, MONDO:0004994, HP:0001638. Inheritance: Various modes of inheritance.

gnomAD v4.1: 1 of 1,584,882 alleles (0.000063%); highest among the groups gnomAD compares: Non-Finnish European, 0.000086%; no homozygotes.

Submission:

Color Diagnostics, LLC DBA Color Health
Classification: Uncertain significance for Cardiomyopathy. Last evaluated: 2025-10-05. Review status: criteria provided, single submitter. Criteria: ACMG Guidelines, 2015. Collection method: clinical testing. Allele origin: germline.
Comment: This missense variant replaces lysine with glutamine at codon 3566 of the RYR2 protein. Computational prediction suggests that this variant may not impact protein structure and function. To our knowledge, functional studies have not been reported for this variant. This variant has not been reported in individuals affected with RYR2-related disorders in the literature. This variant has been identified in 1/1432632 chromosomes in the general population by the Genome Aggregation Database (gnomAD). The available evidence is insufficient to determine the role of this variant in disease conclusively. Therefore, this variant is classified as a Variant of Uncertain Significance.

NM_001035.3(RYR2):c.10696A>C (p.Lys3566Gln)

Gene: RYR2 (ryanodine receptor 2; plus strand). Cytogenetic location: 1q43.
Variant type: single nucleotide variant.
Coding change: c.10696A>C on transcript NM_001035.3 (MANE Select); coding-DNA position 10696, A replaced by C.
Protein change: p.Lys3566Gln; replaces lysine 3566 with glutamine.
Molecular consequence: missense variant.
Genome position (GRCh38, 1-based): chr1:237,726,279, A>C. VCF-style: chr1-237726279-A-C. GRCh37 (hg19) VCF-style: chr1-237889579-A-C.
Other names: short protein forms K3566Q.
Identifiers: ClinVar variation 4758246 (VCV004758246.1).